The following is an entry in ClinVar:

ClinVar aggregate classification (germline): Benign/Likely benign. Review status: criteria provided, multiple submitters, no conflicts (2 of 4 stars). 2 submissions from 2 submitters: Benign (1); Likely benign (1). Last evaluated 2026-06-11.

Conditions:
INTS1-related disorder. Also called: INTS1-related condition.

Allele frequency attached by ClinVar (database versions not stated): gnomAD exomes 0.00033; ExAC 0.00045; 1000 Genomes Project 0.00100; ESP Exome Variant Server 0.00106; 1000 Genomes Project 30x 0.00109; TOPMed 0.00132; gnomAD 0.00136.
gnomAD v4.1: 486 of 1,576,816 alleles (0.031%); highest among the groups gnomAD compares: African/African-American, 0.49%; no homozygotes.

Submissions (2):

PreventionGenetics, part of Exact Sciences
Classification: Likely benign for INTS1-related condition. Last evaluated: 2026-06-11. Review status: criteria provided, single submitter. Criteria: ACMG Guidelines, 2015. Collection method: clinical testing. Allele origin: germline.
Comment: This variant is classified as likely benign based on ACMG/AMP sequence variant interpretation guidelines (Richards et al. 2015 PMID: 25741868, with internal and published modifications).

Labcorp Genetics (formerly Invitae), Labcorp
Classification: Benign. Last evaluated: 2019-12-31. Review status: criteria provided, single submitter. Criteria: Invitae Variant Classification Sherloc (09022015). Collection method: clinical testing. Allele origin: germline.

NM_001080453.3(INTS1):c.5152-9C>A

Gene: INTS1 (integrator complex subunit 1; minus strand). Cytogenetic location: 7p22.3.
Variant type: single nucleotide variant.
Coding change: c.5152-9C>A on transcript NM_001080453.3 (MANE Select); 9 bases into the intron before coding-DNA position 5152, C replaced by A.
Molecular consequence: intron variant.
Genome position (GRCh38, 1-based): chr7:1,476,464, G>T on the plus strand (C>A on the coding strand, the complement: INTS1 is on the minus strand). VCF-style: chr7-1476464-G-T. GRCh37 (hg19) VCF-style: chr7-1516100-G-T.
Identifiers: ClinVar variation 724095 (VCV000724095.5), dbSNP rs371637110, ClinGen allele CA4118497.